The following is an entry in ClinVar:

ClinVar aggregate classification (germline): Benign/Likely benign. Review status: criteria provided, multiple submitters, no conflicts (2 of 4 stars). 15 submissions from 12 submitters: Benign (7); Likely benign (6). 2 of the submissions do not count toward it. Last evaluated 2026-02-17.

Conditions:
TTN-related disorder. Also called: TTN-related disorders; TTN-related condition; TTN-related disease.
Cardiovascular phenotype. Identifiers: MedGen CN230736.
Dilated cardiomyopathy 1G (CMD1G). Identifiers: Orphanet 154, MedGen C1858763, MONDO:0011400, OMIM 604145.
Autosomal recessive limb-girdle muscular dystrophy type 2J (LGMDR10). Also called: Limb-girdle muscular dystrophy, type 2J; MUSCULAR DYSTROPHY, LIMB-GIRDLE, AUTOSOMAL RECESSIVE 10. Identifiers: Orphanet 140922, MedGen C1837342, MONDO:0012127, OMIM 608807.
Cardiomyopathy (CMYO). Also called: Cardiomyopathies. Identifiers: Orphanet 167848, MedGen C0878544, MONDO:0004994, HP:0001638. Inheritance: Various modes of inheritance.
Tibial muscular dystrophy (TMD). Also called: UDD MYOPATHY; Tibial muscular dystrophy, tardive; Udd Distal Myopathy – Tibial Muscular Dystrophy. Identifiers: Orphanet 609, MedGen C1838244, MONDO:0010870, OMIM 600334.
Myopathy, myofibrillar, 9, with early respiratory failure (MFM9). Also called: Hereditary myopathy with early respiratory failure; MYOPATHY, PROXIMAL, WITH EARLY RESPIRATORY MUSCLE INVOLVEMENT; EDSTROM MYOPATHY; Myopathy, distal, with early respiratory failure, autosomal dominant. Identifiers: Orphanet 178464, Orphanet 34521, MedGen C1863599, MONDO:0011362, OMIM 603689.
Early-onset myopathy with fatal cardiomyopathy (CMYO5). Also called: CONGENITAL MYOPATHY 5 WITH CARDIOMYOPATHY; Salih Myopathy. Identifiers: Orphanet 289377, MedGen C2673677, MONDO:0012714, OMIM 611705. Disease mechanism: loss of function.

Allele frequency attached by ClinVar (database versions not stated): gnomAD 0.00001 and 0.00008; TOPMed 0.00002; gnomAD exomes 0.00020 and 0.00036; 1000 Genomes Project 30x 0.00031; ExAC 0.00037; 1000 Genomes Project 0.00040.
gnomAD v4.1: 299 of 1,613,674 alleles (0.019%); highest among the groups gnomAD compares: South Asian, 0.26%; no homozygotes.

Submissions (15):

PreventionGenetics, part of Exact Sciences
Classification: Likely benign for TTN-related condition. Last evaluated: 2026-02-17. Review status: criteria provided, single submitter. Criteria: ACMG Guidelines, 2015. Collection method: clinical testing. Allele origin: germline.
Comment: This variant is classified as likely benign based on ACMG/AMP sequence variant interpretation guidelines (Richards et al. 2015 PMID: 25741868, with internal and published modifications).

Labcorp Genetics (formerly Invitae), Labcorp
Classification: Benign for Dilated cardiomyopathy 1G; Autosomal recessive limb-girdle muscular dystrophy type 2J. Last evaluated: 2025-12-29. Review status: criteria provided, single submitter. Criteria: Invitae Variant Classification Sherloc (09022015). Collection method: clinical testing. Allele origin: germline.

Blueprint Genetics
Classification: Likely benign. Last evaluated: 2024-11-21. Review status: criteria provided, single submitter. Criteria: ACMG Guidelines, 2015. Collection method: clinical testing. Allele origin: germline.

CeGaT Center for Human Genetics Tuebingen
Classification: Likely benign. Last evaluated: 2023-08-01. Review status: criteria provided, single submitter. Criteria: CeGaT Center For Human Genetics Tuebingen Variant Classification Criteria Version 2. Collection method: clinical testing. Allele origin: germline. Affected: yes. Observed: 1 variant allele.
Comment: TTN: BP4, BP7

Ambry Genetics
Classification: Likely benign for Cardiovascular phenotype. Last evaluated: 2022-07-11. Review status: criteria provided, single submitter. Criteria: Ambry Variant Classification Scheme 2023. Collection method: clinical testing. Allele origin: germline.

Genome-Nilou Lab
Classification: Benign for Autosomal recessive limb-girdle muscular dystrophy type 2J. Last evaluated: 2021-09-10. Review status: criteria provided, single submitter. Criteria: ACMG Guidelines, 2015. Collection method: clinical testing. Allele origin: germline. Affected: no.

Genome-Nilou Lab
Classification: Benign for Myopathy, myofibrillar, 9, with early respiratory failure. Last evaluated: 2021-09-10. Review status: criteria provided, single submitter. Criteria: ACMG Guidelines, 2015. Collection method: clinical testing. Allele origin: germline. Affected: no.

Genome-Nilou Lab
Classification: Benign for Early-onset myopathy with fatal cardiomyopathy. Last evaluated: 2021-09-10. Review status: criteria provided, single submitter. Criteria: ACMG Guidelines, 2015. Collection method: clinical testing. Allele origin: germline. Affected: no.

Genome-Nilou Lab
Classification: Benign for Tibial muscular dystrophy. Last evaluated: 2021-09-10. Review status: criteria provided, single submitter. Criteria: ACMG Guidelines, 2015. Collection method: clinical testing. Allele origin: germline. Affected: no.

CHEO Genetics Diagnostic Laboratory, Children's Hospital of Eastern Ontario
Classification: Benign for Cardiomyopathy. Last evaluated: 2018-03-29. Review status: criteria provided, single submitter. Criteria: ACMG Guidelines, 2015. Collection method: clinical testing. Allele origin: germline.

GeneDx
Classification: Benign. Last evaluated: 2015-06-01. Review status: criteria provided, single submitter. Criteria: GeneDx Variant Classification (06012015). Collection method: clinical testing. Allele origin: germline. Affected: yes.
Comment: This variant is considered likely benign or benign based on one or more of the following criteria: it is a conservative change, it occurs at a poorly conserved position in the protein, it is predicted to be benign by multiple in silico algorithms, and/or has population frequency not consistent with disease.

Laboratory for Molecular Medicine, Mass General Brigham Personalized Medicine
Classification: Likely benign. Last evaluated: 2014-07-01. Review status: criteria provided, single submitter. Criteria: LMM Criteria. Collection method: clinical testing. Allele origin: germline. Observed: 1 variant allele.
Comment: Ile3759Ile in exon 45B of TTN: This variant is not expected to have clinical sig nificance because it does not alter an amino acid residue and is not located wit hin the splice consensus sequence.

Breakthrough Genomics
Classification: Likely benign. Review status: criteria provided, single submitter. Criteria: ACMG Guidelines, 2015. Collection method: not provided. Allele origin: germline. Inheritance: Autosomal recessive inheritance. Affected: yes.

Clinical Genetics DNA and cytogenetics Diagnostics Lab, Erasmus MC, Erasmus Medical Center
Classification: Likely benign. Review status: no assertion criteria provided. Collection method: clinical testing. Allele origin: germline. Affected: yes. Study: VKGL Data-share Consensus. Not counted in ClinVar's aggregate classification.

Clinical Genetics, Academic Medical Center
Classification: Benign. Review status: no assertion criteria provided. Collection method: clinical testing. Allele origin: germline. Affected: yes. Study: VKGL Data-share Consensus. Not counted in ClinVar's aggregate classification.

NM_001267550.2(TTN):c.11991T>C (p.Ile3997=)

Gene: TTN (titin; minus strand). Cytogenetic location: 2q31.2.
Variant type: single nucleotide variant.
Coding change: c.11991T>C on transcript NM_001267550.2 (MANE Select); coding-DNA position 11991, T replaced by C.
Protein change: p.Ile3997=; no amino-acid change (isoleucine 3997 retained).
Molecular consequence: synonymous variant. On other transcripts: intron variant (1).
Genome position (GRCh38, 1-based): chr2:178,741,242, A>G on the plus strand (T>C on the coding strand, the complement: TTN is on the minus strand). VCF-style: chr2-178741242-A-G. GRCh37 (hg19) VCF-style: chr2-179605969-A-G.
Other names: c.11040T>C, p.Ile3680= (NM_001256850.1); c.11277T>C, p.Ile3759= (NM_133432.3); c.10902T>C, p.Ile3634= (NM_003319.4); c.11478T>C, p.Ile3826= (NM_133437.4); c.10361-2882T>C (NM_133378.4).
Identifiers: ClinVar variation 166240 (VCV000166240.51), dbSNP rs565546452, ClinGen allele CA179039.